The following is an entry in ClinVar:

ClinVar aggregate classification (germline): Likely pathogenic (1 of 4 stars; one submission).

Submission:

Labcorp Genetics (formerly Invitae), Labcorp
Classification: Likely pathogenic. Last evaluated: 2021-06-13. Review status: criteria provided, single submitter. Criteria: Invitae Variant Classification Sherloc (09022015). Collection method: clinical testing. Allele origin: germline.
Comment: This sequence change affects a donor splice site in intron 66 of the COL7A1 gene. Variants that disrupt the donor or acceptor splice site typically lead to a loss of protein function (PMID: 16199547), and loss-of-function variants in COL7A1 are known to be disease-causing for autosomal recessive dystrophic epidermolysis bullosa (PMID: 16971478). However, certain variants affecting donor or acceptor splice sites in the triple helical domain of COL7A1 are expected to result in in-frame exon skipping and have been reported to cause autosomal dominant dystrophic epidermolysis bullosa (PMID: 31670143). This variant is not present in population databases (ExAC no frequency). This variant has not been reported in the literature in individuals with COL7A1-related conditions. Algorithms developed to predict the effect of sequence changes on RNA splicing suggest that this variant may disrupt the consensus splice site, but this prediction has not been confirmed by published transcriptional studies. In summary, the currently available evidence indicates that the variant is pathogenic, but additional data are needed to prove that conclusively. Therefore, this variant has been classified as Likely Pathogenic.

Literature cited by the submitters: PubMed 16199547; PubMed 16971478; PubMed 31670143.

NM_000094.4(COL7A1):c.5604+2T>C

Gene: COL7A1 (collagen type VII alpha 1 chain; minus strand). Cytogenetic location: 3p21.31.
Variant type: single nucleotide variant.
Coding change: c.5604+2T>C on transcript NM_000094.4 (MANE Select); the canonical splice donor site of the intron after coding-DNA position 5604, T replaced by C.
Molecular consequence: splice donor variant.
Genome position (GRCh38, 1-based): chr3:48,576,882, A>G on the plus strand (T>C on the coding strand, the complement: COL7A1 is on the minus strand). VCF-style: chr3-48576882-A-G. GRCh37 (hg19) VCF-style: chr3-48614315-A-G.
Identifiers: ClinVar variation 1470362 (VCV001470362.8), dbSNP rs2107683470, ClinGen allele CA352668787.